The following is an entry in ClinVar:

NM_000535.7(PMS2):c.1654C>G (p.His552Asp)

Gene: PMS2 (PMS1 homolog 2, mismatch repair system component; minus strand). Cytogenetic location: 7p22.1.
Variant type: single nucleotide variant.
Coding change: c.1654C>G on transcript NM_000535.7 (MANE Select); coding-DNA position 1654, C replaced by G.
Protein change: p.His552Asp; replaces histidine 552 with aspartic acid.
Molecular consequence: missense variant. On other transcripts: non-coding transcript variant (1).
Genome position (GRCh38, 1-based): chr7:5,987,111, G>C on the plus strand (C>G on the coding strand, the complement: PMS2 is on the minus strand). VCF-style: chr7-5987111-G-C. GRCh37 (hg19) VCF-style: chr7-6026742-G-C.
Other names: c.1654C>G (NM_000535.6); c.1249C>G, p.His417Asp (NM_001322003.2, NM_001322004.2, NM_001322005.2 and 1 more transcripts); c.1498C>G, p.His500Asp (NM_001322006.2); c.1336C>G, p.His446Asp (NM_001322007.2, NM_001322008.2); c.1093C>G, p.His365Asp (NM_001322010.2); c.721C>G, p.His241Asp (NM_001322011.2, NM_001322012.2); c.1081C>G, p.His361Asp (NM_001322013.2); c.1654C>G, p.His552Asp (NM_001322014.2); and 1 more; short protein forms H417D, H446D, H449D, H552D, H241D, H365D, H361D, H500D.
Identifiers: ClinVar variation 949325 (VCV000949325.13), dbSNP rs786204114, ClinGen allele CA366741363.

ClinVar aggregate classification (germline): Conflicting classifications of pathogenicity. Review status: criteria provided, conflicting classifications (1 of 4 stars). 3 submissions from 3 submitters: Uncertain significance (2); Likely benign (1). Last evaluated 2025-09-14.

Conditions:
Hereditary nonpolyposis colorectal neoplasms. Identifiers: MedGen C0009405, MeSH D003123.
Hereditary cancer-predisposing syndrome. Also called: Hereditary neoplastic syndrome; Neoplastic Syndromes, Hereditary; Tumor predisposition; Hereditary Cancer Syndrome. Identifiers: Orphanet 140162, MedGen C0027672, MeSH D009386, MONDO:0015356.
Mismatch repair cancer syndrome 4. Identifiers: MedGen C5436817, MONDO:0030843, OMIM 619101.

Allele frequency attached by ClinVar (database versions not stated): gnomAD exomes below 0.00001.
gnomAD v4.1: 1 of 1,614,056 alleles (0.000062%); highest among the groups gnomAD compares: Non-Finnish European, 0.000085%; no homozygotes.

Submissions (3):

Labcorp Genetics (formerly Invitae), Labcorp
Classification: Likely benign for Hereditary nonpolyposis colorectal neoplasms. Last evaluated: 2025-09-14. Review status: criteria provided, single submitter. Criteria: Invitae Variant Classification Sherloc (09022015). Collection method: clinical testing. Allele origin: germline.

Ambry Genetics
Classification: Uncertain significance for Hereditary cancer-predisposing syndrome. Last evaluated: 2022-12-28. Review status: criteria provided, single submitter. Criteria: Ambry Variant Classification Scheme 2023. Collection method: clinical testing. Allele origin: germline.
Comment: The p.H552D variant (also known as c.1654C>G), located in coding exon 11 of the PMS2 gene, results from a C to G substitution at nucleotide position 1654. The histidine at codon 552 is replaced by aspartic acid, an amino acid with similar properties. This amino acid position is not well conserved in available vertebrate species. In addition, this alteration is predicted to be tolerated by in silico analysis. Since supporting evidence is limited at this time, the clinical significance of this alteration remains unclear.

Department of Pathology and Laboratory Medicine, Sinai Health System
Classification: Uncertain significance for Mismatch repair cancer syndrome 4. Last evaluated: 2022-04-13. Review status: criteria provided, single submitter. Criteria: ACMG Guidelines, 2015. Collection method: clinical testing. Allele origin: germline. Affected: yes.